The following is an entry in ClinVar:

NM_003200.5(TCF3):c.1160A>C (p.His387Pro)

Gene: TCF3 (transcription factor 3; minus strand). Cytogenetic location: 19p13.3.
Variant type: single nucleotide variant.
Coding change: c.1160A>C on transcript NM_003200.5 (MANE Select); coding-DNA position 1160, A replaced by C.
Protein change: p.His387Pro; replaces histidine 387 with proline.
Molecular consequence: missense variant.
Genome position (GRCh38, 1-based): chr19:1,619,787, T>G on the plus strand (A>C on the coding strand, the complement: TCF3 is on the minus strand). VCF-style: chr19-1619787-T-G. GRCh37 (hg19) VCF-style: chr19-1619786-T-G.
Other names: c.1160A>C, p.His387Pro (NM_001136139.4, NM_001351778.2, NM_001351779.2); short protein forms H387P.
Identifiers: ClinVar variation 2088924 (VCV002088924.4), dbSNP rs2513523711, ClinGen allele CA403053630.

ClinVar aggregate classification (germline): Uncertain significance (1 of 4 stars; one submission).

gnomAD v4.1: 1 of 1,554,896 alleles (0.000064%); highest among the groups gnomAD compares: Non-Finnish European, 0.000087%; no homozygotes.

Submission:

Labcorp Genetics (formerly Invitae), Labcorp
Classification: Uncertain significance. Last evaluated: 2023-11-24. Review status: criteria provided, single submitter. Criteria: Invitae Variant Classification Sherloc (09022015). Collection method: clinical testing. Allele origin: germline.
Comment: This sequence change replaces histidine, which is basic and polar, with proline, which is neutral and non-polar, at codon 387 of the TCF3 protein (p.His387Pro). This variant is not present in population databases (gnomAD no frequency). This variant has not been reported in the literature in individuals affected with TCF3-related conditions. ClinVar contains an entry for this variant (Variation ID: 2088924). Advanced modeling of protein sequence and biophysical properties (such as structural, functional, and spatial information, amino acid conservation, physicochemical variation, residue mobility, and thermodynamic stability) performed at Invitae indicates that this missense variant is not expected to disrupt TCF3 protein function with a negative predictive value of 80%. In summary, the available evidence is currently insufficient to determine the role of this variant in disease. Therefore, it has been classified as a Variant of Uncertain Significance.